The following is an entry in ClinVar:

ClinVar aggregate classification (germline): Uncertain significance. Review status: criteria provided, multiple submitters, no conflicts (2 of 4 stars). 2 submissions from 2 submitters: Uncertain significance (2). Last evaluated 2024-10-21.

Conditions:
Congenital myasthenic syndrome 8. Also called: Myasthenic syndrome, congenital, 8, with pre- and postsynaptic defects; MYASTHENIC SYNDROME, CONGENITAL, DUE TO AGRIN DEFICIENCY. Identifiers: Orphanet 590, MedGen C3808739, MONDO:0014052, OMIM 615120.
Inborn genetic diseases. Identifiers: MedGen C0950123, MeSH D030342.

gnomAD v4.1: 37 of 1,610,654 alleles (0.0023%); highest among the groups gnomAD compares: Non-Finnish European, 0.0027%; no homozygotes.

Submissions (2):

Labcorp Genetics (formerly Invitae), Labcorp
Classification: Uncertain significance for Congenital myasthenic syndrome 8. Last evaluated: 2024-10-21. Review status: criteria provided, single submitter. Criteria: Invitae Variant Classification Sherloc (09022015). Collection method: clinical testing. Allele origin: germline.
Comment: This sequence change replaces proline, which is neutral and non-polar, with serine, which is neutral and polar, at codon 1001 of the AGRN protein (p.Pro1001Ser). This variant is present in population databases (rs752212460, gnomAD 0.004%). This variant has not been reported in the literature in individuals affected with AGRN-related conditions. ClinVar contains an entry for this variant (Variation ID: 1354432). An algorithm developed to predict the effect of missense changes on protein structure and function (PolyPhen-2) suggests that this variant is likely to be disruptive. In summary, the available evidence is currently insufficient to determine the role of this variant in disease. Therefore, it has been classified as a Variant of Uncertain Significance.

Ambry Genetics
Classification: Uncertain significance for Inborn genetic diseases. Last evaluated: 2021-07-09. Review status: criteria provided, single submitter. Criteria: Ambry Variant Classification Scheme 2023. Collection method: clinical testing. Allele origin: germline.

NM_198576.4(AGRN):c.3001C>T (p.Pro1001Ser)

Gene: AGRN (agrin; plus strand). Cytogenetic location: 1p36.33.
Variant type: single nucleotide variant.
Coding change: c.3001C>T on transcript NM_198576.4 (MANE Select); coding-DNA position 3001, C replaced by T.
Protein change: p.Pro1001Ser; replaces proline 1001 with serine.
Molecular consequence: missense variant.
Genome position (GRCh38, 1-based): chr1:1,046,486, C>T. VCF-style: chr1-1046486-C-T. GRCh37 (hg19) VCF-style: chr1-981866-C-T.
Other names: c.3001C>T (NM_198576.3); c.3001C>T, p.Pro1001Ser (NM_001305275.2); c.2686C>T, p.Pro896Ser (NM_001364727.2); short protein forms P1001S, P896S.
Identifiers: ClinVar variation 1354432 (VCV001354432.5), dbSNP rs752212460, ClinGen allele CA508909.
Genomic context (GRCh38, chr1:1,046,486, plus strand): 5'-TCTGCCTCCGTGACTGTGACCACCCCAGGGCTCCTCCTGAGCCAGGCACTGCCGGCCCCC[C>T]CCGGCGCCCTCCCCCTGGCTCCCAGCAGTACCGCACACAGCCAGACCACCCCTCCGCCCT-3'
Protein context (NP_940978.2, residues 991-1011): LLLSQALPAP[Pro1001Ser]GALPLAPSST